The following is an entry in ClinVar:

ClinVar aggregate classification (germline): Pathogenic/Likely pathogenic. Review status: criteria provided, multiple submitters, no conflicts (2 of 4 stars). 7 submissions from 7 submitters: Pathogenic (3); Likely pathogenic (3). 1 of the submissions does not count toward it. Last evaluated 2026-01-08.

Conditions:
Sphingomyelin/cholesterol lipidosis. Also called: Niemann-Pick disease. Identifiers: MedGen C0028064, MONDO:0001982.
Niemann-Pick disease, type B. Also called: Chronic Visceral ASMD (Niemann-Pick Disease Type B; NPD-B). Identifiers: Orphanet 77293, MedGen C0268243, MONDO:0011871, OMIM 607616. Disease mechanism: loss of function.
Niemann-Pick disease, type A. Also called: SPHINGOMYELIN LIPIDOSIS; SPHINGOMYELINASE DEFICIENCY; Infantile Neurovisceral ASMD (Niemann-Pick Disease Type A; NPD-A). Identifiers: Orphanet 77292, MedGen C0268242, MONDO:0009756, OMIM 257200. Disease mechanism: loss of function.

Allele frequency attached by ClinVar (database versions not stated): gnomAD exomes below 0.00001 and 0.00001.
gnomAD v4.1: 1 of 1,614,144 alleles (0.000062%); highest among the groups gnomAD compares: Non-Finnish European, 0.000085%; no homozygotes.

Submissions (7):

Natera, Inc.
Classification: Likely pathogenic for Niemann-Pick Disease, Types A/B. Last evaluated: 2026-01-08. Review status: criteria provided, single submitter. Criteria: Natera Variant Classification Schema (03/2026). Collection method: clinical testing. Allele origin: germline.
Comment: The c.1735G>A variant in SMPD1 is a missense variant predicted to cause substitution of glycine to serine at amino acid 579. This variant is rare in the general population with a frequency below the threshold expected for the associated phenotype(s). This variant has been observed in one or more individuals affected with the associated recessive disease, as either homozygous or compound heterozygous with a second variant (PMID: 15877209). Functional studies show that this variant may disrupt protein function (PMID: 1718266). Computational prediction algorithms indicate this variant is likely to affect gene or protein function. Given the available evidence, this variant is classified as Likely Pathogenic.

Labcorp Genetics (formerly Invitae), Labcorp
Classification: Pathogenic for Niemann-Pick disease, type B; Niemann-Pick disease, type A. Last evaluated: 2025-12-23. Review status: criteria provided, single submitter. Criteria: Invitae Variant Classification Sherloc (09022015). Collection method: clinical testing. Allele origin: germline.
Comment: This sequence change replaces glycine, which is neutral and non-polar, with serine, which is neutral and polar, at codon 579 of the SMPD1 protein (p.Gly579Ser). This variant is present in population databases (rs120074119, gnomAD 0.002%). This missense change has been observed in individual(s) with Niemann-Pick disease (PMID: 1718266, 15877209). This variant is also known as G577S. ClinVar contains an entry for this variant (Variation ID: 2982). Invitae Evidence Modeling of protein sequence and biophysical properties (such as structural, functional, and spatial information, amino acid conservation, physicochemical variation, residue mobility, and thermodynamic stability) has been performed for this missense variant. However, the output from this modeling did not meet the statistical confidence thresholds required to predict the impact of this variant on SMPD1 protein function. For these reasons, this variant has been classified as Pathogenic.

Fulgent Genetics
Classification: Likely pathogenic for Niemann-Pick disease, type A; Niemann-Pick disease, type B. Last evaluated: 2024-02-19. Review status: criteria provided, single submitter. Criteria: ACMG Guidelines, 2015. Collection method: clinical testing. Allele origin: germline.

Baylor Genetics
Classification: Likely pathogenic for Niemann-Pick disease, type A. Last evaluated: 2024-01-27. Review status: criteria provided, single submitter. Criteria: ACMG Guidelines, 2015. Collection method: clinical testing. Allele origin: unknown.

Women's Health and Genetics/Laboratory Corporation of America, LabCorp
Classification: Pathogenic for Sphingomyelin/cholesterol lipidosis. Last evaluated: 2022-06-03. Review status: criteria provided, single submitter. Criteria: LabCorp Variant Classification Summary - May 2015. Collection method: clinical testing. Allele origin: germline.
Comment: Variant summary: SMPD1 c.1735G>A (p.Gly579Ser) results in a non-conservative amino acid change located in the Calcineurin-like phosphoesterase domain, ApaH type (IPR004843) of the encoded protein sequence. Two of four in-silico tools predict a benign effect of the variant on protein function. The variant allele was found at a frequency of 8e-06 in 251448 control chromosomes. c.1735G>A has been reported in the literature in individuals affected with Niemann-Pick Disease (example, Ferlinz_1991, Pavlu-Pereira_2005, Hu_2021). These data indicate that the variant is likely to be associated with disease. At least one publication reports experimental evidence evaluating an impact on protein function (Ferlinz_1991). The most pronounced variant effect results in complete loss of enzymatic activity. Two clinical diagnostic laboratories have submitted clinical-significance assessments for this variant to ClinVar after 2014 without evidence for independent evaluation. All laboratories classified the variant as pathogenic. Based on the evidence outlined above, the variant was classified as pathogenic.

Broad Center for Mendelian Genomics, Broad Institute of MIT and Harvard
Classification: Pathogenic for Sphingomyelin/cholesterol lipidosis. Last evaluated: 2020-01-22. Review status: criteria provided, single submitter. Criteria: ACMG Guidelines, 2015. Collection method: curation. Allele origin: germline. Inheritance: Autosomal recessive inheritance.
Comment: The p.Gly579Ser variant in SMPD1 (also known as p.Gly577Ser due to a difference in cDNA numbering) has been reported in at least 2 individuals with Niemann-Pick disease (PMID: 1718266, 15877209, 16151905) and has been identified in 0.002% (2/113736) of European (non-Finnish) chromosomes by the Genome Aggregation Database (gnomAD; dbSNP rs120074119). Although this variant has been seen in the general population, its frequency is low enough to be consistent with a recessive carrier frequency. This variant has also been reported in ClinVar (VariationID: 2982) as pathogenic by OMIM. In vitro functional studies provide some evidence that the p.Gly579Ser variant may impact protein function (PMID: 1718266). However, these types of assays may not accurately represent biological function. Computational prediction tools and conservation analyses suggest that this variant may impact the protein, though this information is not predictive enough to determine pathogenicity. The presence of this variant in 1 affected homozygote and in combination with a reported pathogenic variant in an individual with Niemann-Pick disease increases the likelihood that the p.Gly579Ser variant is pathogenic (VariationID: 2994; PMID: 1718266, 15877209, 16151905). The phenotype of an individual compound heterozygous for this variant is highly specific for Niemann-Pick disease based on acid sphingomyselinase activity being <10% of normal, consistent with disease (PMID: 15877209). In summary, this variant meets criteria to be classified as pathogenic for Niemann-Pick disease in an autosomal recessive manner based on in vitro functional studies and its presence in individuals with phenotypes specific for disease. ACMG/AMP Criteria applied: PS3, PM2, PM3, PP3, PP4 (Richards 2015).

OMIM
Classification: Pathogenic for NIEMANN-PICK DISEASE, TYPE A. Last evaluated: 1991-09-30. Review status: no assertion criteria provided. Collection method: literature only. Allele origin: germline. Not counted in ClinVar's aggregate classification.

Literature cited by the submitters: PubMed 15877209 (cited by 4 submitters); PubMed 1718266 (cited by 5 submitters); PubMed 33675270 (cited by Women's Health and Genetics/Laboratory Corporation of America, LabCorp); PubMed 16151905 (cited by Broad Center for Mendelian Genomics, Broad Institute of MIT and Harvard).

NM_000543.5(SMPD1):c.1735G>A (p.Gly579Ser)

Gene: SMPD1 (sphingomyelin phosphodiesterase 1; plus strand). Cytogenetic location: 11p15.4.
Variant type: single nucleotide variant.
Coding change: c.1735G>A on transcript NM_000543.5 (MANE Select); coding-DNA position 1735, G replaced by A.
Protein change: p.Gly579Ser; replaces glycine 579 with serine.
Molecular consequence: missense variant. On other transcripts: 3 prime UTR variant (1), non-coding transcript variant (2).
Genome position (GRCh38, 1-based): chr11:6,394,446, G>A. VCF-style: chr11-6394446-G-A. GRCh37 (hg19) VCF-style: chr11-6415676-G-A.
Other names: G577S; c.1732G>A, p.Gly578Ser (NM_001007593.3); c.*228G>A (NM_001318087.2); c.814G>A, p.Gly272Ser (NM_001318088.2); c.1603G>A, p.Gly535Ser (NM_001365135.2); short protein forms G579S, G578S, G272S, G535S.
Identifiers: ClinVar variation 2982 (VCV000002982.16), dbSNP rs120074119, ClinGen allele CA252509.
Genomic context (GRCh38, chr11:6,394,446, plus strand): 5'-GTATATCGCATGCGGGGCGACATGCAACTTTTCCAGACCTTCTGGTTTCTCTACCATAAG[G>A]GCCACCCACCCTCGGAGCCCTGTGGCACGCCCTGCCGTCTGGCTACTCTTTGTGCCCAGC-3'
Protein context (NP_000534.3, residues 569-589): FQTFWFLYHK[Gly579Ser]HPPSEPCGTP